The following is an entry in ClinVar:

NM_001114753.3(ENG):c.1655C>T (p.Ala552Val)

Genes: ENG (endoglin; minus strand), LOC102723566 (uncharacterized LOC102723566; plus strand). Cytogenetic location: 9q34.11.
Variant type: single nucleotide variant.
Coding change: c.1655C>T on transcript NM_001114753.3 (MANE Select); coding-DNA position 1655, C replaced by T.
Protein change: p.Ala552Val; replaces alanine 552 with valine.
Molecular consequence: missense variant.
Genome position (GRCh38, 1-based): chr9:127,818,151, G>A on the plus strand (C>T on the coding strand, the complement: ENG is on the minus strand). VCF-style: chr9-127818151-G-A. GRCh37 (hg19) VCF-style: chr9-130580430-G-A.
Other names: c.1655C>T, p.Ala552Val (NM_000118.4); c.1109C>T, p.Ala370Val (NM_001278138.2); short protein forms A370V, A552V.
Identifiers: ClinVar variation 1777334 (VCV001777334.5), dbSNP rs768491175, ClinGen allele CA5252709.
Genomic context (GRCh38, chr9:127,818,151, plus strand): 5'-AAGCTGGGGCCGGCCCAGGCCCCACTCACCTGGTCTTGAGACCCGGTCTTGGGACGCAGG[G>A]CTACCGTGCAGCTGAGGGTGCCGGTTTTGGGTATGGGTACTGTGTAGAAGTGGAGGAGGA-3'
Protein context (NP_001108225.1, residues 542-562): PKTGTLSCTV[Ala552Val]LRPKTGSQDQ

ClinVar aggregate classification (germline): Uncertain significance. Review status: criteria provided, multiple submitters, no conflicts (2 of 4 stars). 2 submissions from 2 submitters: Uncertain significance (2). Last evaluated 2025-05-22.

Conditions:
Cardiovascular phenotype. Identifiers: MedGen CN230736.
Hereditary hemorrhagic telangiectasia (HHT). Also called: ORW DISEASE; Osler Weber Rendu syndrome; OSLER-RENDU-WEBER DISEASE; Osler hemorrhagic telangiectasia syndrome. Identifiers: Orphanet 774, MedGen C0039445, MONDO:0019180. Disease mechanism: loss of function.

Allele frequency attached by ClinVar (database versions not stated): TOPMed 0.00002.

Submissions (2):

Labcorp Genetics (formerly Invitae), Labcorp
Classification: Uncertain significance for Hereditary hemorrhagic telangiectasia. Last evaluated: 2025-05-22. Review status: criteria provided, single submitter. Criteria: Invitae Variant Classification Sherloc (09022015). Collection method: clinical testing. Allele origin: germline.
Comment: This sequence change replaces alanine, which is neutral and non-polar, with valine, which is neutral and non-polar, at codon 552 of the ENG protein (p.Ala552Val). This variant is present in population databases (rs768491175, gnomAD 0.02%). This variant has not been reported in the literature in individuals affected with ENG-related conditions. ClinVar contains an entry for this variant (Variation ID: 1777334). Invitae Evidence Modeling of protein sequence and biophysical properties (such as structural, functional, and spatial information, amino acid conservation, physicochemical variation, residue mobility, and thermodynamic stability) has been performed for this missense variant. However, the output from this modeling did not meet the statistical confidence thresholds required to predict the impact of this variant on ENG protein function. In summary, the available evidence is currently insufficient to determine the role of this variant in disease. Therefore, it has been classified as a Variant of Uncertain Significance.

Ambry Genetics
Classification: Uncertain significance for Cardiovascular phenotype. Last evaluated: 2014-08-01. Review status: criteria provided, single submitter. Criteria: Ambry Variant Classification Scheme 2023. Collection method: clinical testing. Allele origin: germline.
Comment: The p.A552V variant (also known as c.1655C>T), located in coding exon 12 of the ENG gene, results from a C to T substitution at nucleotide position 1655. The alanine at codon 552 is replaced by valine, an amino acid with similar properties. This variant was not reported in population based cohorts in the following databases: Database of Single Nucleotide Polymorphisms (dbSNP) and 1000 Genomes Project. In the ESP, this variant was not observed in 6503 samples (13006 alleles) with coverage at this position. This variant has been detected in conjunction with a pathogenic alteration in ENG by our laboratory. The phase of this variant with respect to the pathogenic alteration (cis vs. trans) is not known. This amino acid position is not well conserved in available vertebrate species. In addition, this alteration is predicted to be tolerated by in silico analysis. Since supporting evidence is limited at this time, the clinical significance of this variant remains unclear.